The following is an entry in ClinVar:

NM_018051.5(DYNC2I1):c.1977C>T (p.Ser659=)

Gene: DYNC2I1 (dynein 2 intermediate chain 1; plus strand). Cytogenetic location: 7q36.3.
Variant type: single nucleotide variant.
Coding change: c.1977C>T on transcript NM_018051.5 (MANE Select); coding-DNA position 1977, C replaced by T.
Protein change: p.Ser659=; no amino-acid change (serine 659 retained).
Molecular consequence: synonymous variant.
Genome position (GRCh38, 1-based): chr7:158,922,432, C>T. VCF-style: chr7-158922432-C-T. GRCh37 (hg19) VCF-style: chr7-158715123-C-T.
Other names: c.1839C>T, p.Ser613= (NM_001350914.2); c.1404C>T, p.Ser468= (NM_001350915.2); c.516C>T, p.Ser172= (NM_001350916.2); c.729C>T, p.Ser243= (NM_001350917.2, NM_001350918.2).
Identifiers: ClinVar variation 710635 (VCV000710635.30), dbSNP rs371944841, ClinGen allele CA4594833.

ClinVar aggregate classification (germline): Likely benign. Review status: criteria provided, multiple submitters, no conflicts (2 of 4 stars). 3 submissions from 3 submitters: Likely benign (3). Last evaluated 2025-12-15.

Conditions:
Short-rib thoracic dysplasia 8 with or without polydactyly (SRTD8). Also called: SHORT-RIB THORACIC DYSPLASIA 8 WITH POLYDACTYLY. Identifiers: Orphanet 93271, MedGen C3809691, MONDO:0014214, OMIM 615503.

Allele frequency attached by ClinVar (database versions not stated): TOPMed 0.00006; ExAC 0.00008; ESP Exome Variant Server 0.00008; gnomAD 0.00010; 1000 Genomes Project 30x 0.00031; 1000 Genomes Project 0.00040.
gnomAD v4.1: 152 of 1,613,998 alleles (0.0094%); highest among the groups gnomAD compares: South Asian, 0.051%; 1 homozygote.

Submissions (3):

Labcorp Genetics (formerly Invitae), Labcorp
Classification: Likely benign for Short-rib thoracic dysplasia 8 with or without polydactyly. Last evaluated: 2025-12-15. Review status: criteria provided, single submitter. Criteria: Invitae Variant Classification Sherloc (09022015). Collection method: clinical testing. Allele origin: germline.

Blueprint Genetics
Classification: Likely benign. Last evaluated: 2024-06-11. Review status: criteria provided, single submitter. Criteria: ACMG Guidelines, 2015. Collection method: clinical testing. Allele origin: germline.

CeGaT Center for Human Genetics Tuebingen
Classification: Likely benign. Last evaluated: 2024-01-01. Review status: criteria provided, single submitter. Criteria: CeGaT Center For Human Genetics Tuebingen Variant Classification Criteria Version 2. Collection method: clinical testing. Allele origin: germline. Affected: yes. Observed: 1 variant allele.
Comment: DYNC2I1: BP4, BP7